The following is an entry in ClinVar:

NM_007294.4(BRCA1):c.3657G>C (p.Glu1219Asp)

Genes: BRCA1 (BRCA1 DNA repair associated; minus strand), LOC126862571 (BRD4-independent group 4 enhancer GRCh37_chr17:41243136-41244335; plus strand). Cytogenetic location: 17q21.31.
Variant type: single nucleotide variant.
Coding change: c.3657G>C on transcript NM_007294.4 (MANE Select); coding-DNA position 3657, G replaced by C.
Protein change: p.Glu1219Asp; replaces glutamic acid 1219 with aspartic acid.
Molecular consequence: missense variant. On other transcripts: intron variant (135).
Genome position (GRCh38, 1-based): chr17:43,091,874, C>G on the plus strand (G>C on the coding strand, the complement: BRCA1 is on the minus strand). VCF-style: chr17-43091874-C-G. GRCh37 (hg19) VCF-style: chr17-41243891-C-G.
Other names: p.E1219D:GAG>GAC; 3776G>C; c.3444G>C, p.Glu1148Asp (NM_001407571.1, NM_001407853.1, NM_001407894.1 and 9 more transcripts); c.3657G>C, p.Glu1219Asp (NM_001407581.1, NM_001407582.1, NM_001407583.1 and 30 more transcripts); c.3654G>C, p.Glu1218Asp (NM_001407587.1, NM_001407590.1, NM_001407591.1 and 22 more transcripts); c.3648G>C, p.Glu1216Asp (NM_001407646.1, NM_001407647.1); c.3534G>C, p.Glu1178Asp (NM_001407648.1, NM_001407664.1, NM_001407665.1 and 19 more transcripts); c.3531G>C, p.Glu1177Asp (NM_001407649.1, NM_001407670.1, NM_001407671.1 and 11 more transcripts); and 43 more; short protein forms E1219D, E1172D, E1051D, E1091D, E1092D, E1149D, E1171D, E1178D.
Identifiers: ClinVar variation 37537 (VCV000037537.42), dbSNP rs80356876, ClinGen allele CA002343.

ClinVar aggregate classification (germline): Benign. Review status: reviewed by expert panel (3 of 4 stars). 16 submissions from 16 submitters: Benign (1). 15 of the submissions do not count toward it. Last evaluated 2019-06-18.

Conditions:
Breast neoplasm. Also called: Neoplasm of breast; Breast tumor; Neoplasm of the breast; Breast Neoplasms. Identifiers: MedGen C1458155, MeSH D001943, MONDO:0021100, HP:0100013. Disease mechanism: gain of function.
Hereditary cancer-predisposing syndrome. Also called: Tumor predisposition; Neoplastic Syndromes, Hereditary; Hereditary Cancer Syndrome; Hereditary neoplastic syndrome. Identifiers: Orphanet 140162, MedGen C0027672, MeSH D009386, MONDO:0015356.
Hereditary breast ovarian cancer syndrome. Also called: Hereditary breast and ovarian cancer syndrome (HBOC); Hereditary breast and ovarian cancer syndrome; Hereditary breast and ovarian cancer; Hereditary breast and/or ovarian cancer syndrome; Breast and ovarian cancer; BRCA1- and BRCA2-Associated Hereditary Breast and Ovarian Cancer. Identifiers: Orphanet 145, MedGen C0677776, MeSH D061325, MONDO:0003582. Disease mechanism: loss of function.
Breast-ovarian cancer, familial, susceptibility to, 1 (BROVCA1). Also called: OVARIAN CANCER, SUSCEPTIBILITY TO; BRCA1 Hereditary Breast and Ovarian Cancer. Identifiers: Orphanet 145, MedGen C2676676, MONDO:0011450, OMIM 604370. Disease mechanism: loss of function.

Allele frequency attached by ClinVar (database versions not stated): ExAC 0.00002; gnomAD 0.00002; gnomAD exomes 0.00002; TOPMed 0.00002; ESP Exome Variant Server 0.00008.
gnomAD v4.1: 50 of 1,614,024 alleles (0.0031%); highest among the groups gnomAD compares: Non-Finnish European, 0.0041%; no homozygotes.

Submissions (16):

Evidence-based Network for the Interpretation of Germline Mutant Alleles (ENIGMA)
Classification: Benign for Breast-ovarian cancer, familial, susceptibility to, 1. Last evaluated: 2019-06-18. Review status: reviewed by expert panel. Criteria: ENIGMA BRCA1/2 Classification Criteria (2017-06-29). Collection method: curation. Allele origin: germline.
Comment: IARC class based on posterior probability from multifactorial likelihood analysis, thresholds for class as per Plon et al. 2008 (PMID: 18951446). Class 1 based on posterior probability = 0.000503

Labcorp Genetics (formerly Invitae), Labcorp
Classification: Likely benign for Hereditary breast ovarian cancer syndrome. Last evaluated: 2026-02-02. Review status: criteria provided, single submitter. Criteria: Invitae Variant Classification Sherloc (09022015). Collection method: clinical testing. Allele origin: germline. Not counted in ClinVar's aggregate classification.

Quest Diagnostics Nichols Institute San Juan Capistrano
Classification: Likely benign. Last evaluated: 2025-08-01. Review status: criteria provided, single submitter. Criteria: Quest Diagnostics criteria. Collection method: clinical testing. Allele origin: unknown. Not counted in ClinVar's aggregate classification.

Center for Genomic Medicine, Rigshospitalet, Copenhagen University Hospital
Classification: Benign. Last evaluated: 2025-03-04. Review status: criteria provided, single submitter. Criteria: ACMG Guidelines, 2015. Collection method: clinical testing. Allele origin: germline. Not counted in ClinVar's aggregate classification.

Sema4
Classification: Likely benign for Hereditary cancer-predisposing syndrome. Last evaluated: 2021-02-07. Review status: criteria provided, single submitter. Criteria: Sema4 Curation Guidelines. Collection method: curation. Allele origin: germline. Not counted in ClinVar's aggregate classification.

Women's Health and Genetics/Laboratory Corporation of America, LabCorp
Classification: Benign. Last evaluated: 2020-07-06. Review status: criteria provided, single submitter. Criteria: LabCorp Variant Classification Summary - May 2015. Collection method: clinical testing. Allele origin: germline. Not counted in ClinVar's aggregate classification.
Comment: Variant summary: BRCA1 c.3657G>C (p.Glu1219Asp) results in a conservative amino acid change in the encoded protein sequence. Four of five in-silico tools predict a benign effect of the variant on protein function. The variant allele was found at a frequency of 1.6e-05 in 251288 control chromosomes (gnomAD). The available data on variant occurrences in the general population are insufficient to allow any conclusion about variant significance. c.3657G>C has been reported in the literature in individuals affected with Hereditary Breast And Ovarian Cancer Syndrome (e.g. Durocher_1996). These report(s) do not provide unequivocal conclusions about association of the variant with Hereditary Breast And Ovarian Cancer Syndrome. A co-occurrence with a pathogenic variant has been reported (BRCA2 c.4471_4474delCTGA, p.Leu1491fsX12; Internal testing), providing supporting evidence for a benign role. Experimental evidence evaluating an impact on protein function through utilization of a homology-directed DNA repair assay demonstrated the variant to perform equivalently to the wild-type (Lu_2015). Seven ClinVar submitters (evaluation after 2014) cite the variant as benign/likely benign (n=4) and as uncertain significance (n=3). An expert panel (ENIGMA) (evaluation after 2014) cites the variant as benign based on utilization of a multifactorial likelihood model encompassing likelihood ratios (LRs) for pathogenicity estimated from clinical data of co-occurrence with a pathogenic variant in the same gene, reported family history, breast tumor pathology and bioinformatic predictions (Parsons_2019). Based on the evidence outlined above, the variant was classified as benign.

GeneDx
Classification: Likely benign. Last evaluated: 2019-12-23. Review status: criteria provided, single submitter. Criteria: GeneDx Variant Classification Process June 2021. Collection method: clinical testing. Allele origin: germline. Affected: yes. Not counted in ClinVar's aggregate classification.
Comment: Not observed at a significant frequency in large population cohorts (Lek et al., 2016); In silico analysis, which includes protein predictors and evolutionary conservation, supports that this variant does not alter protein structure/function; This variant is associated with the following publications: (PMID: 25637381, 8776600, 8872468, 15235020, 26689913, 16518693, 31131967, 33087888)

Mendelics
Classification: Benign for Breast-ovarian cancer, familial, susceptibility to, 1. Last evaluated: 2019-05-28. Review status: criteria provided, single submitter. Criteria: Mendelics Assertion Criteria 2017. Collection method: clinical testing. Allele origin: unknown. Not counted in ClinVar's aggregate classification.

Ambry Genetics
Classification: Likely benign for Hereditary cancer-predisposing syndrome. Last evaluated: 2018-11-06. Review status: criteria provided, single submitter. Criteria: Ambry Variant Classification Scheme 2023. Collection method: clinical testing. Allele origin: germline. Not counted in ClinVar's aggregate classification.

Color Diagnostics, LLC DBA Color Health
Classification: Likely benign for Hereditary cancer-predisposing syndrome. Last evaluated: 2017-11-10. Review status: criteria provided, single submitter. Criteria: ACMG Guidelines, 2015. Collection method: clinical testing. Allele origin: germline. Not counted in ClinVar's aggregate classification.

Eurofins Ntd Llc (ga)
Classification: Uncertain significance. Last evaluated: 2014-09-09. Review status: criteria provided, single submitter. Criteria: EGL Classification Definitions 2015. Collection method: clinical testing. Allele origin: germline. Observed: 1 variant allele, 1 heterozygote. Not counted in ClinVar's aggregate classification.

Counsyl
Classification: Uncertain significance for Breast-ovarian cancer, familial, susceptibility to, 1. Last evaluated: 2015-12-15. Review status: no assertion criteria provided. Collection method: clinical testing. Allele origin: unknown. Not counted in ClinVar's aggregate classification.

CSER _CC_NCGL, University of Washington
Classification: Likely benign for Breast cancer. Last evaluated: 2014-06-01. Review status: no assertion criteria provided. Collection method: research. Allele origin: germline. Inheritance: Autosomal dominant inheritance. Study: ESP 6500 variant annotation. Not counted in ClinVar's aggregate classification.
Comment: Variants classified for the Actionable exomic incidental findings in 6503 participants: challenges of variant classification manuscript

Sharing Clinical Reports Project (SCRP)
Classification: Likely benign for Breast-ovarian cancer, familial 1. Last evaluated: 2008-06-12. Review status: no assertion criteria provided. Collection method: clinical testing. Allele origin: germline. Not counted in ClinVar's aggregate classification.

Breast Cancer Information Core (BIC) (BRCA1)
Classification: Uncertain significance for Breast-ovarian cancer, familial 1. Last evaluated: 2004-02-20. Review status: no assertion criteria provided. Collection method: clinical testing. Allele origin: germline. Affected: yes. Observed: 6 variant alleles. Not counted in ClinVar's aggregate classification.

Department of Pathology and Laboratory Medicine, Sinai Health System
Classification: Likely benign for Breast-ovarian cancer, familial, susceptibility to, 1. Review status: no assertion criteria provided. Collection method: clinical testing. Allele origin: unknown. Affected: yes. Study: The Canadian Open Genetics Repository (COGR). Not counted in ClinVar's aggregate classification.
Comment: The BRCA1 p.Glu1219Asp variant was identified in 2 of 8356 proband chromosomes (frequency: 0.0002) from individuals or families with breast, ovarian or renal cancer and was not identified in 128 control chromosomes from healthy individuals (Durocher 1996, Lu 2015). The variant was also identified in dbSNP (ID: rs80356876) as "With Likely benign, Uncertain significance allele", ClinVar (classified as likely benign by Ambry Genetics, Color and SCRP; as uncertain significance Invitae, Counsyl and five other submitters), LOVD 3.0 (4x as unclassified variant), and UMD-LSDB (2x as unclassified variant). Integrated Genetics/Laboratory Corporation of America reported identifying the variant with a co-occurring, deleterious variant in BRCA2 (c.4471_4474delCTGA), increasing the likelihood that the p.Glu1219Asp variant does not have clinical significance. The variant was identified in control databases in 5 of 246040 chromosomes at a frequency of 0.00002 (Genome Aggregation Database Feb 27, 2017). The variant was observed in the European population in 5 of 111534 chromosomes (freq: 0.00005), while it was not observed in the African, Other, Latino, Ashkenazi Jewish, East Asian, Finnish, or South Asian populations. The p.Glu1219 residue is conserved in mammals but not in more distantly related organisms however computational analyses (PolyPhen-2, SIFT, AlignGVGD, BLOSUM, MutationTaster) do not suggest a high likelihood of impact to the protein; this information is not predictive enough to rule out pathogenicity. The variant occurs outside of the splicing consensus sequence and in silico or computational prediction software programs (SpliceSiteFinder, MaxEntScan, NNSPLICE, GeneSplicer) do not predict a difference in splicing; this is not very predictive of pathogenicity. In summary, based on the above information, the clinical significance of this variant cannot be determined with certainty at this time although we would lean towards a more benign role for this variant. This variant is classified as likely benign.

Literature cited by the submitters: PubMed 31131967 (cited by 3 submitters); PubMed 25637381 (cited by 3 submitters); PubMed 26689913 (cited by 3 submitters); PubMed 15235020 (cited by 3 submitters); PubMed 8776600 (cited by 3 submitters); PubMed 8872468 (cited by 3 submitters); PubMed 23704879 (cited by Quest Diagnostics Nichols Institute San Juan Capistrano and Women's Health and Genetics/Laboratory Corporation of America, LabCorp); PubMed 16518693 (cited by 3 submitters); PubMed 15385441 (cited by 3 submitters); PubMed 12427538 (cited by Quest Diagnostics Nichols Institute San Juan Capistrano and Women's Health and Genetics/Laboratory Corporation of America, LabCorp); PubMed 8807330 (cited by Quest Diagnostics Nichols Institute San Juan Capistrano and Women's Health and Genetics/Laboratory Corporation of America, LabCorp); PubMed 31464824 (cited by Quest Diagnostics Nichols Institute San Juan Capistrano).